The following is an entry in ClinVar:

NM_007192.4(SUPT16H):c.3098G>A (p.Arg1033His)

Genes: SUPT16H (SPT16 homolog, facilitates chromatin remodeling subunit; minus strand), LOC126861887 (BRD4-independent group 4 enhancer GRCh37_chr14:21820143-21821342; plus strand). Cytogenetic location: 14q11.2.
Variant type: single nucleotide variant.
Coding change: c.3098G>A on transcript NM_007192.4 (MANE Select); coding-DNA position 3098, G replaced by A.
Protein change: p.Arg1033His; replaces arginine 1033 with histidine.
Molecular consequence: missense variant.
Genome position (GRCh38, 1-based): chr14:21,352,719, C>T on the plus strand (G>A on the coding strand, the complement: SUPT16H is on the minus strand). VCF-style: chr14-21352719-C-T. GRCh37 (hg19) VCF-style: chr14-21820878-C-T.
Other names: short protein forms R1033H.
Identifiers: ClinVar variation 3039102 (VCV003039102.12), dbSNP rs150316403, ClinGen allele CA7089650.

ClinVar aggregate classification (germline): Likely benign. Review status: criteria provided, single submitter (1 of 4 stars). 2 submissions from 2 submitters: Likely benign (1). 1 of the submissions does not count toward it. Last evaluated 2026-09-01.

Conditions:
SUPT16H-related disorder. Also called: SUPT16H-related condition.

Allele frequency attached by ClinVar (database versions not stated): 1000 Genomes Project 0.00100; ExAC 0.00105; 1000 Genomes Project 30x 0.00109; ESP Exome Variant Server 0.00123; gnomAD 0.00134; TOPMed 0.00137; gnomAD exomes 0.00222.
gnomAD v4.1: 3,406 of 1,614,074 alleles (0.21%); highest among the groups gnomAD compares: Non-Finnish European, 0.27%; 9 homozygotes.

Submissions (2):

CeGaT Center for Human Genetics Tuebingen
Classification: Likely benign. Last evaluated: 2026-09-01. Review status: criteria provided, single submitter. Criteria: CeGaT Center For Human Genetics Tuebingen Variant Classification Criteria Version 2. Collection method: clinical testing. Allele origin: germline. Affected: yes. Observed: 2 variant alleles.
Comment: SUPT16H: BS1

PreventionGenetics, part of Exact Sciences
Classification: Likely benign for SUPT16H-related condition. Last evaluated: 2019-03-15. Review status: no assertion criteria provided. Collection method: clinical testing. Allele origin: germline. Not counted in ClinVar's aggregate classification.
Comment: This variant is classified as likely benign based on ACMG/AMP sequence variant interpretation guidelines (Richards et al. 2015 PMID: 25741868, with internal and published modifications).